The following is an entry in ClinVar:

NM_021008.4(DEAF1):c.510C>G (p.Leu170=)

Gene: DEAF1 (DEAF1 transcription factor; minus strand). Cytogenetic location: 11p15.5.
Variant type: single nucleotide variant.
Coding change: c.510C>G on transcript NM_021008.4 (MANE Select); coding-DNA position 510, C replaced by G.
Protein change: p.Leu170=; no amino-acid change (leucine 170 retained).
Molecular consequence: synonymous variant. On other transcripts: 5 prime UTR variant (1).
Genome position (GRCh38, 1-based): chr11:688,338, G>C on the plus strand (C>G on the coding strand, the complement: DEAF1 is on the minus strand). VCF-style: chr11-688338-G-C. GRCh37 (hg19) VCF-style: chr11-688338-G-C.
Other names: c.510C>G, p.Leu170= (NM_001293634.2); c.-217C>G (NM_001367390.1).
Identifiers: ClinVar variation 2034290 (VCV002034290.6), dbSNP rs375575398, ClinGen allele CA5786533.
Genomic context (GRCh38, chr11:688,338, plus strand): 5'-AGCTATTCTGAAACGTGTTTTGCCCGAGGCCTGGGGTGCAGGCACCGCTGTACCTGGGGT[G>C]AGGGGAGCTGCCGGGCCTTTCAGCCCGGTGGTCTCCACGATGCTCCCATCTGTGTGGACG-3'
Protein context (NP_066288.2, residues 160-180): TTGLKGPAAP[Leu170=]TPGPQSPPTP

ClinVar aggregate classification (germline): Likely benign. Review status: criteria provided, single submitter (1 of 4 stars). 2 submissions from 2 submitters: Likely benign (1). 1 of the submissions does not count toward it. Last evaluated 2024-03-11.

Conditions:
DEAF1-related disorder.

Allele frequency attached by ClinVar (database versions not stated): ESP Exome Variant Server 0.00008.

Submissions (2):

Labcorp Genetics (formerly Invitae), Labcorp
Classification: Likely benign. Last evaluated: 2024-03-11. Review status: criteria provided, single submitter. Criteria: Invitae Variant Classification Sherloc (09022015). Collection method: clinical testing. Allele origin: germline.

PreventionGenetics, part of Exact Sciences
Classification: Likely benign for DEAF1-related condition. Last evaluated: 2021-06-21. Review status: no assertion criteria provided. Collection method: clinical testing. Allele origin: germline. Not counted in ClinVar's aggregate classification.
Comment: This variant is classified as likely benign based on ACMG/AMP sequence variant interpretation guidelines (Richards et al. 2015 PMID: 25741868, with internal and published modifications).